The following is an entry in ClinVar:

NM_181503.3(EXOSC8):c.609-3T>C

Gene: EXOSC8 (exosome component 8; plus strand). Cytogenetic location: 13q13.3.
Variant type: single nucleotide variant.
Coding change: c.609-3T>C on transcript NM_181503.3 (MANE Select); 3 bases into the intron before coding-DNA position 609, T replaced by C.
Molecular consequence: intron variant.
Genome position (GRCh38, 1-based): chr13:37,008,726, T>C. VCF-style: chr13-37008726-T-C. GRCh37 (hg19) VCF-style: chr13-37582863-T-C.
Identifiers: ClinVar variation 1312898 (VCV001312898.2), dbSNP rs1017669677, ClinGen allele CA248195245.

ClinVar aggregate classification (germline): Uncertain significance (1 of 4 stars; one submission).

Allele frequency attached by ClinVar (database versions not stated): gnomAD exomes below 0.00001.
gnomAD v4.1: 8 of 1,586,076 alleles (0.0005%); highest among the groups gnomAD compares: Middle Eastern, 0.033%; 1 homozygote.

Submission:

GeneDx
Classification: Uncertain significance. Last evaluated: 2021-03-19. Review status: criteria provided, single submitter. Criteria: GeneDx Variant Classification Process June 2021. Collection method: clinical testing. Allele origin: germline. Affected: yes.
Comment: Not observed in large population cohorts (Lek et al., 2016); In silico analysis supports that this variant does not alter splicing; Has not been previously published as pathogenic or benign to our knowledge